The following is an entry in ClinVar:

NM_001940.4(ATN1):c.2014G>C (p.Gly672Arg)

Gene: ATN1 (atrophin 1; plus strand). Cytogenetic location: 12p13.31.
Variant type: single nucleotide variant.
Coding change: c.2014G>C on transcript NM_001940.4 (MANE Select); coding-DNA position 2014, G replaced by C.
Protein change: p.Gly672Arg; replaces glycine 672 with arginine.
Molecular consequence: missense variant.
Genome position (GRCh38, 1-based): chr12:6,937,281, G>C. VCF-style: chr12-6937281-G-C. GRCh37 (hg19) VCF-style: chr12-7046444-G-C.
Other names: c.2014G>C, p.Gly672Arg (NM_001007026.2, NM_001424176.1, NM_001424177.1 and 1 more transcripts); c.2011G>C, p.Gly671Arg (NM_001424179.1, NM_001424180.1); c.1993G>C, p.Gly665Arg (NM_001424181.1); c.1990G>C, p.Gly664Arg (NM_001424182.1); short protein forms G664R, G665R, G671R, G672R.
Identifiers: ClinVar variation 2642652 (VCV002642652.24), dbSNP rs1555143939, ClinGen allele CA383732456.

ClinVar aggregate classification (germline): Uncertain significance (1 of 4 stars; one submission).

gnomAD v4.1: 1 of 1,605,618 alleles (0.000062%); highest among the groups gnomAD compares: Non-Finnish European, 0.000085%; no homozygotes.

Submission:

CeGaT Center for Human Genetics Tuebingen
Classification: Uncertain significance. Last evaluated: 2022-12-01. Review status: criteria provided, single submitter. Criteria: CeGaT Center For Human Genetics Tuebingen Variant Classification Criteria Version 2. Collection method: clinical testing. Allele origin: germline. Affected: yes. Observed: 1 variant allele.
Comment: ATN1: PM2, PS2:Moderate